The following is an entry in ClinVar:

ClinVar aggregate classification (germline): Likely benign (1 of 4 stars; one submission).

Conditions:
Polydactyly of a triphalangeal thumb. Also called: POLYDACTYLY OF TRIPHALANGEAL THUMB; TRIPHALANGEAL THUMB-POLYDACTYLY SYNDROME; Polydactyly, preaxial type II. Identifiers: Orphanet 2439, Orphanet 2950, Orphanet 93336, MedGen C1868114, MONDO:0008270, OMIM 174500.

Allele frequency attached by ClinVar (database versions not stated): ESP Exome Variant Server 0.00015; TOPMed 0.00015.
gnomAD v4.1: 314 of 1,590,138 alleles (0.02%); highest among the groups gnomAD compares: Non-Finnish European, 0.026%; no homozygotes.

Submission:

Illumina Laboratory Services, Illumina
Classification: Likely benign for Polydactyly of a triphalangeal thumb. Last evaluated: 2018-01-12. Review status: criteria provided, single submitter. Criteria: ICSL Variant Classification Criteria 13 December 2019. Collection method: clinical testing. Allele origin: germline.
Comment: This variant was observed in the ICSL laboratory as part of a predisposition screen in an ostensibly healthy population. It had not been previously curated by ICSL or reported in the Human Gene Mutation Database (HGMD: prior to June 1st, 2018), and was therefore a candidate for classification through an automated scoring system. Utilizing variant allele frequency, disease prevalence and penetrance estimates, and inheritance mode, an automated score was calculated to assess if this variant is too frequent to cause the disease. Based on the score and internal cut-off values, a variant classified as likely benign is not then subjected to further curation. The score for this variant resulted in a classification of likely benign for this disease.

NM_022458.4(LMBR1):c.1233T>C (p.Thr411=)

Gene: LMBR1 (limb development membrane protein 1; minus strand). Cytogenetic location: 7q36.3.
Variant type: single nucleotide variant.
Coding change: c.1233T>C on transcript NM_022458.4 (MANE Select); coding-DNA position 1233, T replaced by C.
Protein change: p.Thr411=; no amino-acid change (threonine 411 retained).
Molecular consequence: synonymous variant. On other transcripts: non-coding transcript variant (2), intron variant (6).
Genome position (GRCh38, 1-based): chr7:156,688,184, A>G on the plus strand (T>C on the coding strand, the complement: LMBR1 is on the minus strand). VCF-style: chr7-156688184-A-G. GRCh37 (hg19) VCF-style: chr7-156480878-A-G.
Other names: c.1356T>C, p.Thr452= (NM_001350953.2); c.777T>C, p.Thr259= (NM_001350955.2, NM_001350956.2, NM_001363413.2); c.864T>C, p.Thr288= (NM_001363411.2); c.1163-4021T>C (NM_001363412.2); c.947-4021T>C (NM_001350954.2); c.1226-4021T>C (NM_001363410.2); c.1349-4021T>C (NM_001363409.2); c.770-4021T>C (NM_001350958.2); and 1 more.
Identifiers: ClinVar variation 908396 (VCV000908396.4), dbSNP rs376730383, ClinGen allele CA4587786.